The following is an entry in ClinVar:

NM_000179.3(MSH6):c.3980_3981delinsTCAG (p.Asn1327fs)

Gene: MSH6 (mutS homolog 6; plus strand). Cytogenetic location: 2p16.3.
Variant type: Indel.
Coding change: c.3980_3981delinsTCAG on transcript NM_000179.3 (MANE Select); coding-DNA positions 3980 to 3981, AT replaced by TCAG.
Protein change: p.Asn1327fs; shifts the reading frame from asparagine 1327.
Molecular consequence: frameshift variant.
Genome position (GRCh38, 1-based): chr2:47,806,630-47,806,631, AT replaced by TCAG. VCF-style: chr2-47806630-AT-TCAG. GRCh37 (hg19) VCF-style: chr2-48033769-AT-TCAG.
Other names: c.3590_3591delinsTCAG, p.Asn1197fs (NM_001281492.2); c.3074_3075delinsTCAG, p.Asn1025fs (NM_001281493.2, NM_001281494.2); short protein forms N1025fs, N1197fs, N1327fs.
Identifiers: ClinVar variation 1049570 (VCV001049570.1), dbSNP rs2104566954, ClinGen allele CA2499216148.

ClinVar aggregate classification (germline): Pathogenic (0 of 4 stars; one submission).

Conditions:
Endometrial carcinoma. Also called: Endometrial carcinoma, somatic. Identifiers: MedGen C0476089, MONDO:0002447, OMIM 608089, HP:0012114.

Submission:

Department of Pathology and Laboratory Medicine, Sinai Health System
Classification: Pathogenic for Endometrial carcinoma. Review status: no assertion criteria provided. Collection method: clinical testing. Allele origin: unknown. Affected: yes. Study: The Canadian Open Genetics Repository (COGR).
Comment: The MSH6 p.Asn1327Ilefs*20 variant was not identified in the literature nor was it identified in the dbSNP, ClinVar and UMD-LSDB databases. It was not identified in the following control databases: the Exome Aggregation Consortium (August 8th 2016), or the Genome Aggregation Database (Feb 27, 2017). The c.3980_3981delinsTCAG variant is predicted to cause a frameshift, which alters the protein's amino acid sequence beginning at codon 1327 and leads to a premature stop codon 20 codons downstream. This alteration is then predicted to result in a truncated or absent protein and loss of function. Loss of function variants of the MSH6 gene are an established mechanism of disease in Lynch Syndrome and is the type of variant expected to cause the disorder. In summary, based on the above information this variant meets our laboratoryâ€šÃ„Ã´s criteria to be classified as pathogenic.